The following is an entry in ClinVar:

NM_145290.4(ADGRA3):c.3509G>A (p.Arg1170His)

Gene: ADGRA3 (adhesion G protein-coupled receptor A3; minus strand). Cytogenetic location: 4p15.2.
Variant type: single nucleotide variant.
Coding change: c.3509G>A on transcript NM_145290.4 (MANE Select); coding-DNA position 3509, G replaced by A.
Protein change: p.Arg1170His; replaces arginine 1170 with histidine.
Molecular consequence: missense variant.
Genome position (GRCh38, 1-based): chr4:22,388,162, C>T on the plus strand (G>A on the coding strand, the complement: ADGRA3 is on the minus strand). VCF-style: chr4-22388162-C-T. GRCh37 (hg19) VCF-style: chr4-22389785-C-T.
Other names: c.3509G>A (NM_145290.2); short protein forms R1170H.
Identifiers: ClinVar variation 956965 (VCV000956965.8), dbSNP rs370767567, ClinGen allele CA2873352.
Genomic context (GRCh38, chr4:22,388,162, plus strand): 5'-TATTCTCTCAGGACTGTGAGTCGGCTTGCCCGGTGTCCTTTACTTCTGTTTTTATGGTGG[C>T]GGCTTGAGTGCACATTTGTTCGAAACTGAACTTCTAAAGGCGCCACGTGCATTTTAATAT-3'
Protein context (NP_660333.2, residues 1160-1180): VQFRTNVHSS[Arg1170His]HHKNRSKGHR

ClinVar aggregate classification (germline): Uncertain significance. Review status: criteria provided, multiple submitters, no conflicts (2 of 4 stars). 2 submissions from 2 submitters: Uncertain significance (2). Last evaluated 2025-10-15.

Allele frequency attached by ClinVar (database versions not stated): gnomAD 0.00002 and 0.00003; TOPMed 0.00003; ExAC 0.00004; gnomAD exomes 0.00001 and 0.00006.
gnomAD v4.1: 49 of 1,613,884 alleles (0.003%); highest among the groups gnomAD compares: East Asian, 0.02%; 1 homozygote.

Submissions (2):

Labcorp Genetics (formerly Invitae), Labcorp
Classification: Uncertain significance. Last evaluated: 2025-10-15. Review status: criteria provided, single submitter. Criteria: Invitae Variant Classification Sherloc (09022015). Collection method: clinical testing. Allele origin: germline.
Comment: This sequence change replaces arginine, which is basic and polar, with histidine, which is basic and polar, at codon 1170 of the ADGRA3 protein (p.Arg1170His). This variant is present in population databases (rs370767567, gnomAD 0.04%). This variant has not been reported in the literature in individuals affected with ADGRA3-related conditions. ClinVar contains an entry for this variant (Variation ID: 956965). An algorithm developed to predict the effect of missense changes on protein structure and function (PolyPhen-2) suggests that this variant is likely to be disruptive. In summary, the available evidence is currently insufficient to determine the role of this variant in disease. Therefore, it has been classified as a Variant of Uncertain Significance.

Ambry Genetics
Classification: Uncertain significance. Last evaluated: 2025-09-01. Review status: criteria provided, single submitter. Criteria: Ambry Variant Classification Scheme 2023. Collection method: clinical testing. Allele origin: germline.